The following is an entry in ClinVar:

NM_001267550.2(TTN):c.80536G>A (p.Gly26846Arg)

Genes: TTN (titin; minus strand), TTN-AS1 (TTN antisense RNA 1; plus strand). Cytogenetic location: 2q31.2.
Variant type: single nucleotide variant.
Coding change: c.80536G>A on transcript NM_001267550.2 (MANE Select); coding-DNA position 80536, G replaced by A.
Protein change: p.Gly26846Arg; replaces glycine 26846 with arginine.
Molecular consequence: missense variant.
Genome position (GRCh38, 1-based): chr2:178,565,596, C>T on the plus strand (G>A on the coding strand, the complement: TTN is on the minus strand). VCF-style: chr2-178565596-C-T. GRCh37 (hg19) VCF-style: chr2-179430323-C-T.
Other names: c.75613G>A, p.Gly25205Arg (NM_001256850.1); c.53341G>A, p.Gly17781Arg (NM_003319.4); c.72832G>A, p.Gly24278Arg (NM_133378.4); c.53716G>A, p.Gly17906Arg (NM_133432.3); c.53917G>A, p.Gly17973Arg (NM_133437.4); short protein forms G17781R, G17906R, G17973R, G24278R, G25205R, G26846R.
Identifiers: ClinVar variation 2437888 (VCV002437888.4), dbSNP rs767520023, ClinGen allele CA1989331.

ClinVar aggregate classification (germline): Uncertain significance. Review status: criteria provided, multiple submitters, no conflicts (2 of 4 stars). 2 submissions from 2 submitters: Uncertain significance (2). Last evaluated 2025-01-25.

Conditions:
TTN-related disorder. Also called: TTN-related condition; TTN-related disease; TTN-related disorders.

Allele frequency attached by ClinVar (database versions not stated): gnomAD 0.00001; gnomAD exomes 0.00001; ExAC 0.00001.
gnomAD v4.1: 19 of 1,613,456 alleles (0.0012%); highest among the groups gnomAD compares: Non-Finnish European, 0.0016%; no homozygotes.

Submissions (2):

PreventionGenetics, part of Exact Sciences
Classification: Uncertain significance for TTN-related condition. Last evaluated: 2025-01-25. Review status: criteria provided, single submitter. Criteria: ACMG Guidelines, 2015. Collection method: clinical testing. Allele origin: germline.
Comment: The TTN c.80536G>A variant is predicted to result in the amino acid substitution p.Gly26846Arg. To our knowledge, this variant has not been reported in the literature. This variant is reported in 0.0018% of alleles in individuals of European (Non-Finnish) descent in gnomAD. At this time, the clinical significance of this variant is uncertain due to the absence of conclusive functional and genetic evidence.

Revvity Omics, Revvity
Classification: Uncertain significance. Last evaluated: 2020-11-10. Review status: criteria provided, single submitter. Criteria: ACMG Guidelines, 2015. Collection method: clinical testing. Allele origin: germline.